The following is an entry in ClinVar:

ClinVar aggregate classification (germline): Uncertain significance (1 of 4 stars; one submission).

Conditions:
PRKACB-related disorder. Also called: PRKACB-related condition.

Submission:

PreventionGenetics, part of Exact Sciences
Classification: Uncertain significance for PRKACB-related condition. Last evaluated: 2026-05-15. Review status: criteria provided, single submitter. Criteria: ACMG Guidelines, 2015. Collection method: clinical testing. Allele origin: germline.
Comment: The PRKACB c.379_387del9 variant is predicted to result in an in-frame deletion (p.Val127_Lys129del). This variant is predicted to impact splicing based on splicing prediction programs (SpliceAI, Jaganathan et al. 2019. PubMed ID: 30661751). However, the use of computer prediction programs is not equivalent to functional evidence. To our knowledge, this variant has not been reported in the literature or in a large population database (gnomAD), indicating this variant is rare. At this time, the clinical significance of this variant is uncertain due to the absence of conclusive functional and genetic evidence.

NM_182948.4(PRKACB):c.379_387del (p.Val127_Lys129del)

Gene: PRKACB (protein kinase cAMP-activated catalytic subunit beta; plus strand). Cytogenetic location: 1p31.1.
Variant type: Deletion.
Coding change: c.379_387del on transcript NM_182948.4 (MANE Select); coding-DNA positions 379 to 387, 9 bases deleted (GTTGTTAAA; older notation c.379_387delGTTGTTAAA).
Protein change: p.Val127_Lys129del.
Molecular consequence: inframe deletion. On other transcripts: intron variant (1).
Genome position (GRCh38, 1-based): chr1:84,184,037-84,184,045, GTTGTTAAA deleted. VCF-style (leftmost placement, unchanged base first): chr1-84184036-GGTTGTTAAA-G. GRCh37 (hg19) VCF-style: chr1-84649719-GGTTGTTAAA-G.
Other names: c.259_267del, p.Val87_Lys89del (NM_001242857.3, NM_001375569.1, NM_001375581.1); c.202_210del, p.Val68_Lys70del (NM_001242858.3, NM_001300917.2, NM_001375578.1); c.250_258del, p.Val84_Lys86del (NM_001242859.3, NM_001375572.1); c.256_264del, p.Val86_Lys88del (NM_001242860.3, NM_001300915.2, NM_001375571.1); c.199_207del, p.Val67_Lys69del (NM_001242862.3, NM_001375565.1, NM_001375579.1 and 1 more transcripts); c.379_387del, p.Val127_Lys129del (NM_001300916.2); c.247_255del, p.Val83_Lys85del (NM_001375560.1, NM_001375573.1, NM_001375575.1); c.232_240del, p.Val78_Lys80del (NM_001375561.1, NM_001375574.1, NM_001375577.1); and 5 more.
Identifiers: ClinVar variation 4994918 (VCV004994918.1).